The following is an entry in ClinVar:

NM_000440.3(PDE6A):c.2263C>T (p.Gln755Ter)

Gene: PDE6A (phosphodiesterase 6A; minus strand). Cytogenetic location: 5q32.
Variant type: single nucleotide variant.
Coding change: c.2263C>T on transcript NM_000440.3 (MANE Select); coding-DNA position 2263, C replaced by T.
Protein change: p.Gln755Ter; replaces glutamine 755 with a stop codon.
Molecular consequence: nonsense.
Genome position (GRCh38, 1-based): chr5:149,867,736, G>A on the plus strand (C>T on the coding strand, the complement: PDE6A is on the minus strand). VCF-style: chr5-149867736-G-A. GRCh37 (hg19) VCF-style: chr5-149247299-G-A.
Other names: short protein forms Q755*.
Identifiers: ClinVar variation 1456089 (VCV001456089.8), dbSNP rs2113507459, ClinGen allele CA361688575.

ClinVar aggregate classification (germline): Pathogenic/Likely pathogenic. Review status: criteria provided, multiple submitters, no conflicts (2 of 4 stars). 2 submissions from 2 submitters: Pathogenic (1); Likely pathogenic (1). Last evaluated 2025-12-11.

Conditions:
PDE6A-related disorder. Also called: PDE6A-related condition.

Allele frequency attached by ClinVar (database versions not stated): gnomAD exomes below 0.00001.
gnomAD v4.1: 2 of 1,613,864 alleles (0.00012%); highest among the groups gnomAD compares: Non-Finnish European, 0.00017%; no homozygotes.

Submissions (2):

Labcorp Genetics (formerly Invitae), Labcorp
Classification: Pathogenic. Last evaluated: 2025-12-11. Review status: criteria provided, single submitter. Criteria: Invitae Variant Classification Sherloc (09022015). Collection method: clinical testing. Allele origin: germline.
Comment: This sequence change creates a premature translational stop signal (p.Gln755*) in the PDE6A gene. It is expected to result in an absent or disrupted protein product. Loss-of-function variants in PDE6A are known to be pathogenic (PMID: 7493036, 22128245, 23847139). This variant is not present in population databases (gnomAD no frequency). This premature translational stop signal has been observed in individual(s) with retinitis pigmentosa (PMID: 31370859). ClinVar contains an entry for this variant (Variation ID: 1456089). Algorithms developed to predict the effect of sequence changes on RNA splicing suggest that this variant may disrupt the consensus splice site. For these reasons, this variant has been classified as Pathogenic.

Blueprint Genetics
Classification: Likely pathogenic for PDE6A-related disorders. Last evaluated: 2017-10-04. Review status: criteria provided, single submitter. Criteria: ACMG Guidelines, 2015. Collection method: clinical testing. Allele origin: germline. Affected: yes. Observed: 1 variant allele.

Literature cited by the submitters: PubMed 7493036 (cited by Labcorp Genetics (formerly Invitae), Labcorp); PubMed 22128245 (cited by Labcorp Genetics (formerly Invitae), Labcorp); PubMed 23847139 (cited by Labcorp Genetics (formerly Invitae), Labcorp); PubMed 31370859 (cited by Labcorp Genetics (formerly Invitae), Labcorp).